The following is an entry in ClinVar:

NM_001080421.3(UNC13A):c.3250G>A (p.Ala1084Thr)

Gene: UNC13A (unc-13 homolog A; minus strand). Cytogenetic location: 19p13.11.
Variant type: single nucleotide variant.
Coding change: c.3250G>A on transcript NM_001080421.3 (MANE Select); coding-DNA position 3250, G replaced by A.
Protein change: p.Ala1084Thr; replaces alanine 1084 with threonine.
Molecular consequence: missense variant.
Genome position (GRCh38, 1-based): chr19:17,633,159, C>T on the plus strand (G>A on the coding strand, the complement: UNC13A is on the minus strand). VCF-style: chr19-17633159-C-T. GRCh37 (hg19) VCF-style: chr19-17743968-C-T.
Other names: c.3244G>A, p.Ala1082Thr (NM_001387021.1, NM_001387022.1, NM_001387023.1); short protein forms A1082T, A1084T.
Identifiers: ClinVar variation 4196052 (VCV004196052.2).

ClinVar aggregate classification (germline): Uncertain significance. Review status: criteria provided, multiple submitters, no conflicts (2 of 4 stars). 2 submissions from 2 submitters: Uncertain significance (2). Last evaluated 2025-09-05.

Conditions:
UNC13A-related disorder. Also called: UNC13A-related condition.

gnomAD v4.1: 52 of 1,614,014 alleles (0.0032%); highest among the groups gnomAD compares: Middle Eastern, 0.016%; no homozygotes.

Submissions (2):

Ambry Genetics
Classification: Uncertain significance. Last evaluated: 2025-09-05. Review status: criteria provided, single submitter. Criteria: Ambry Variant Classification Scheme 2023. Collection method: clinical testing. Allele origin: germline.

PreventionGenetics, part of Exact Sciences
Classification: Uncertain significance for UNC13A-related condition. Last evaluated: 2024-11-13. Review status: criteria provided, single submitter. Criteria: ACMG Guidelines, 2015. Collection method: clinical testing. Allele origin: germline.
Comment: The UNC13A c.3250G>A variant is predicted to result in the amino acid substitution p.Ala1084Thr. To our knowledge, this variant has not been reported in the literature. This variant is reported in 0.030% of alleles in individuals of Ashkenazi Jewish descent in gnomAD. Although we suspect that this variant may be benign, at this time, the clinical significance of this variant is uncertain due to the absence of conclusive functional and genetic evidence.